The following is an entry in ClinVar:

ClinVar aggregate classification (germline): Uncertain significance (1 of 4 stars; one submission).

Submission:

GeneDx
Classification: Uncertain significance. Last evaluated: 2022-02-09. Review status: criteria provided, single submitter. Criteria: GeneDx Variant Classification Process June 2021. Collection method: clinical testing. Allele origin: germline. Affected: yes.
Comment: Not observed at significant frequency in large population cohorts (gnomAD); Frameshift variant predicted to result in protein truncation or nonsense mediated decay in a gene for which loss-of-function is not a known mechanism of disease; Has not been previously published as pathogenic or benign to our knowledge; Variants in candidate genes are classified as variants of uncertain significance in accordance with ACMG guidelines (Richards et al., 2015)

NM_001079843.3(CASZ1):c.2233_2237del (p.Gln745fs)

Gene: CASZ1 (castor zinc finger 1; minus strand). Cytogenetic location: 1p36.22.
Variant type: Deletion.
Coding change: c.2233_2237del on transcript NM_001079843.3 (MANE Select); coding-DNA positions 2233 to 2237, 5 bases deleted (CAGCA; older notation c.2233_2237delCAGCA).
Protein change: p.Gln745fs; shifts the reading frame from glutamine 745.
Molecular consequence: frameshift variant.
Genome position (GRCh38, 1-based): chr1:10,653,820-10,653,824, TGCTG deleted on the plus strand (CAGCA on the coding strand, the reverse complement: CASZ1 is on the minus strand). VCF-style (leftmost placement, unchanged base first): chr1-10653819-CTGCTG-C. GRCh37 (hg19) VCF-style: chr1-10713876-CTGCTG-C.
Other names: c.2233_2237del, p.Gln745fs (NM_017766.5); short protein forms Q745fs.
Identifiers: ClinVar variation 3342389 (VCV003342389.1).
Genomic context (GRCh38, chr1:10,653,819, plus strand): 5'-TTTGGTGGCACTGGGCCCAGCCTCGGTGGCGGCAGTGGCGGCAGCCAGGGACGCAGAGGA[CTGCTG>C]GCTGGTAGGGGAGGCGCTCAGGCTGGAGTTCTTGCTGCTCAGGGCGGAGAAGTCAACAAG-3'